The following is an entry in ClinVar:

NM_000548.5(TSC2):c.350G>A (p.Gly117Glu)

Gene: TSC2 (TSC complex subunit 2; plus strand). Cytogenetic location: 16p13.3.
Variant type: single nucleotide variant.
Coding change: c.350G>A on transcript NM_000548.5 (MANE Select); coding-DNA position 350, G replaced by A.
Protein change: p.Gly117Glu; replaces glycine 117 with glutamic acid.
Molecular consequence: missense variant. On other transcripts: intron variant (1).
Genome position (GRCh38, 1-based): chr16:2,054,309, G>A. VCF-style: chr16-2054309-G-A. GRCh37 (hg19) VCF-style: chr16-2104310-G-A.
Other names: c.350G>A, p.Gly117Glu (NM_001077183.3, NM_001114382.3, NM_001363528.2 and 3 more transcripts); c.239G>A, p.Gly80Glu (NM_001318827.2); c.203G>A, p.Gly68Glu (NM_001318829.2); c.383G>A, p.Gly128Glu (NM_001318832.2); c.-1-1887G>A (NM_001318831.2); short protein forms G80E, G117E, G68E, G128E.
Identifiers: ClinVar variation 823868 (VCV000823868.7), dbSNP rs1596264690, ClinGen allele CA394306498.

ClinVar aggregate classification (germline): Uncertain significance. Review status: criteria provided, multiple submitters, no conflicts (2 of 4 stars). 2 submissions from 2 submitters: Uncertain significance (2). Last evaluated 2023-04-07.

Conditions:
Tuberous sclerosis 2 (TSC2). Identifiers: Orphanet 805, MedGen C1860707, MONDO:0013199, OMIM 613254.
Hereditary cancer-predisposing syndrome. Also called: Neoplastic Syndromes, Hereditary; Hereditary Cancer Syndrome; Hereditary neoplastic syndrome; Tumor predisposition. Identifiers: Orphanet 140162, MedGen C0027672, MeSH D009386, MONDO:0015356.

Submissions (2):

Labcorp Genetics (formerly Invitae), Labcorp
Classification: Uncertain significance for Tuberous sclerosis 2. Last evaluated: 2023-04-07. Review status: criteria provided, single submitter. Criteria: Invitae Variant Classification Sherloc (09022015). Collection method: clinical testing. Allele origin: germline.
Comment: In summary, the available evidence is currently insufficient to determine the role of this variant in disease. Therefore, it has been classified as a Variant of Uncertain Significance. RNA analysis performed to evaluate the impact of this missense change on mRNA splicing indicates it does not significantly alter splicing (Invitae). Advanced modeling of protein sequence and biophysical properties (such as structural, functional, and spatial information, amino acid conservation, physicochemical variation, residue mobility, and thermodynamic stability) performed at Invitae indicates that this missense variant is not expected to disrupt TSC2 protein function. ClinVar contains an entry for this variant (Variation ID: 823868). This variant has not been reported in the literature in individuals affected with TSC2-related conditions. This variant is not present in population databases (gnomAD no frequency). This sequence change replaces glycine, which is neutral and non-polar, with glutamic acid, which is acidic and polar, at codon 117 of the TSC2 protein (p.Gly117Glu).

Ambry Genetics
Classification: Uncertain significance for Hereditary cancer-predisposing syndrome. Last evaluated: 2019-06-27. Review status: criteria provided, single submitter. Criteria: Ambry Variant Classification Scheme 2023. Collection method: clinical testing. Allele origin: germline.
Comment: The p.G117E variant (also known as c.350G>A), located in coding exon 4 of the TSC2 gene, results from a G to A substitution at nucleotide position 350. The glycine at codon 117 is replaced by glutamic acid, an amino acid with similar properties. This amino acid position is highly conserved in available vertebrate species. In addition, this alteration is predicted to be deleterious by in silico analysis. Since supporting evidence is limited at this time, the clinical significance of this alteration remains unclear.